The following is an entry in ClinVar:

NM_001754.5(RUNX1):c.300C>T (p.Ser100=)

Gene: RUNX1 (RUNX family transcription factor 1; minus strand). Cytogenetic location: 21q22.12.
Variant type: single nucleotide variant.
Coding change: c.300C>T on transcript NM_001754.5 (MANE Select); coding-DNA position 300, C replaced by T.
Protein change: p.Ser100=; no amino-acid change (serine 100 retained).
Molecular consequence: synonymous variant.
Genome position (GRCh38, 1-based): chr21:34,886,894, G>A on the plus strand (C>T on the coding strand, the complement: RUNX1 is on the minus strand). VCF-style: chr21-34886894-G-A. GRCh37 (hg19) VCF-style: chr21-36259191-G-A.
Other names: NM_001754.5(RUNX1):c.300C>T; p.Ser100=; c.219C>T, p.Ser73= (NM_001001890.3, NM_001122607.2).
Identifiers: ClinVar variation 707516 (VCV000707516.12), dbSNP rs764387069, ClinGen allele CA10014554.

ClinVar aggregate classification (germline): Likely benign. Review status: reviewed by expert panel (3 of 4 stars). 3 submissions from 3 submitters: Likely benign (1). 2 of the submissions do not count toward it. Last evaluated 2024-06-24.

Conditions:
Inborn genetic diseases. Identifiers: MedGen C0950123, MeSH D030342.
Hereditary thrombocytopenia and hematological cancer predisposition syndrome associated with RUNX1. Also called: RUNX1 Familial Platelet Disorder with Associated Myeloid Malignancies; Familial Platelet Disorder with Propensity to Acute Myelogenous Leukemia; PLATELET DISORDER, ASPIRIN-LIKE; Familial thrombocytopenia with propensity to acute myelogenous leukemia. Identifiers: Orphanet 71290, MedGen C1832388, MeSH C563324, MONDO:0100083, OMIM 601399.
Hereditary thrombocytopenia and hematologic cancer predisposition syndrome. Identifiers: Orphanet 71290, MedGen CN281654, MONDO:0011071.

Allele frequency attached by ClinVar (database versions not stated): gnomAD exomes below 0.00001; ExAC 0.00001.
gnomAD v4.1: 2 of 1,613,674 alleles (0.00012%); highest among the groups gnomAD compares: South Asian, 0.0011%; no homozygotes.

Submissions (3):

ClinGen Myeloid Malignancy Variant Curation Expert Panel
Classification: Likely benign for Hereditary thrombocytopenia and hematologic cancer predisposition syndrome. Last evaluated: 2024-06-24. Review status: reviewed by expert panel. Criteria: ClinGen MyeloMalig ACMG Specifications v2. Collection method: curation. Allele origin: germline. Inheritance: Autosomal dominant inheritance.
Comment: NM_001754.5(RUNX1):c.300C>T (p.Ser100=) is a synonymous variant that is not predicted to impact splicing. Since it is a synonymous variant, there is no REVEL score, and SpliceAI is ≤ 0.20 (0.01 33bp Donor Gain) (BP4). Evolutionary conservation prediction algorithms predict the site as not being conserved (PhyloP score -0.302402 < 2.0 or the variant is the reference nucleotide in one primate and/or three mammal species) (BP7). This variant is completely absent from all population databases with at least 20x coverage for RUNX1 (PM2_Supporting). In summary, this variant meets criteria to be classified as likely benign. ACMG/AMP criteria applied, as specified by the Myeloid Malignancy Variant Curation Expert Panel for RUNX1: BP4, BP7, PM2_supporting.

Ambry Genetics
Classification: Likely benign for Inborn genetic diseases. Last evaluated: 2025-02-02. Review status: criteria provided, single submitter. Criteria: Ambry Variant Classification Scheme 2023. Collection method: clinical testing. Allele origin: germline. Not counted in ClinVar's aggregate classification.

Labcorp Genetics (formerly Invitae), Labcorp
Classification: Likely benign for Hereditary thrombocytopenia and hematological cancer predisposition syndrome associated with RUNX1. Last evaluated: 2024-04-29. Review status: criteria provided, single submitter. Criteria: Invitae Variant Classification Sherloc (09022015). Collection method: clinical testing. Allele origin: germline. Not counted in ClinVar's aggregate classification.